The following is an entry in ClinVar:

ClinVar aggregate classification (germline): Conflicting classifications of pathogenicity. Review status: criteria provided, conflicting classifications (1 of 4 stars). 5 submissions from 5 submitters: Uncertain significance (3); Likely benign (2). Last evaluated 2026-02-15.

Conditions:
Malignant hyperthermia, susceptibility to, 1 (MHS1). Also called: Anesthesia related hyperthermia; Malignant hyperpyrexia; Fulminating hyperpyrexia; Pharmacogenic myopathy; RYR1-Related Malignant Hyperthermia Susceptibility; Malignant hyperthermia suceptibility 1. Identifiers: Orphanet 423, MedGen C2930980, MONDO:0007783, OMIM 145600.
RYR1-related disorder. Also called: RYR1-related disorders; RYR1-related condition. Identifiers: MedGen CN239331.

Allele frequency attached by ClinVar (database versions not stated): gnomAD 0.00002; TOPMed 0.00003; gnomAD exomes 0.00004.
gnomAD v4.1: 76 of 1,613,998 alleles (0.0047%); highest among the groups gnomAD compares: Middle Eastern, 0.016%; no homozygotes.

Submissions (5):

GeneDx
Classification: Uncertain significance. Last evaluated: 2026-02-15. Review status: criteria provided, single submitter. Criteria: GeneDx Variant Classification Process June 2021. Collection method: clinical testing. Allele origin: germline.
Comment: Has not been previously published as pathogenic or benign to our knowledge; In silico analysis suggests this variant may impact gene splicing. In the absence of RNA/functional studies, the actual effect of this sequence change is unknown.

Labcorp Genetics (formerly Invitae), Labcorp
Classification: Likely benign for RYR1-related disorder. Last evaluated: 2025-10-09. Review status: criteria provided, single submitter. Criteria: Invitae Variant Classification Sherloc (09022015). Collection method: clinical testing. Allele origin: germline.

CeGaT Center for Human Genetics Tuebingen
Classification: Uncertain significance. Last evaluated: 2023-10-01. Review status: criteria provided, single submitter. Criteria: CeGaT Center For Human Genetics Tuebingen Variant Classification Criteria Version 2. Collection method: clinical testing. Allele origin: germline. Affected: yes. Observed: 1 variant allele.
Comment: RYR1: PM2

Color Diagnostics, LLC DBA Color Health
Classification: Likely benign for Malignant hyperthermia, susceptibility to, 1. Last evaluated: 2022-11-06. Review status: criteria provided, single submitter. Criteria: ACMG Guidelines, 2015. Collection method: clinical testing. Allele origin: germline.

Mayo Clinic Laboratories, Mayo Clinic
Classification: Uncertain significance. Last evaluated: 2021-09-13. Review status: criteria provided, single submitter. Criteria: ACMG Guidelines, 2015. Collection method: clinical testing. Allele origin: germline.

NM_000540.3(RYR1):c.7027+4A>T

Gene: RYR1 (ryanodine receptor 1; plus strand). Cytogenetic location: 19q13.2.
Variant type: single nucleotide variant.
Coding change: c.7027+4A>T on transcript NM_000540.3 (MANE Select); 4 bases into the intron after coding-DNA position 7027, A replaced by T.
Molecular consequence: intron variant.
Genome position (GRCh38, 1-based): chr19:38,499,247, A>T. VCF-style: chr19-38499247-A-T. GRCh37 (hg19) VCF-style: chr19-38989887-A-T.
Other names: c.7027+4A>T (NM_001042723.2).
Identifiers: ClinVar variation 1120605 (VCV001120605.39), dbSNP rs753538619, ClinGen allele CA068998.